The following is an entry in ClinVar:

NM_144710.5(SEPTIN10):c.28C>T (p.Leu10=)

Genes: RANBP2 (RAN binding protein 2; plus strand), SEPTIN10 (septin 10; minus strand), LOC129934550 (ATAC-STARR-seq lymphoblastoid silent region 11861; plus strand). Cytogenetic location: 2q13.
Variant type: single nucleotide variant.
Coding change: c.28C>T on transcript NM_144710.5 (MANE Select); coding-DNA position 28, C replaced by T.
Protein change: p.Leu10=; no amino-acid change (leucine 10 retained).
Molecular consequence: synonymous variant. On other transcripts: 5 prime UTR variant (7).
Genome position (GRCh38, 1-based): chr2:109,613,800, G>A on the plus strand (C>T on the coding strand, the complement: SEPTIN10 is on the minus strand). VCF-style: chr2-109613800-G-A. GRCh37 (hg19) VCF-style: chr2-110371377-G-A.
Other names: c.-58C>T (NM_001321496.2, NM_001321507.2); c.28C>T, p.Leu10= (NM_001321498.2, NM_001321499.2, NM_001321500.2 and 7 more transcripts); c.-103C>T (NM_001321501.2, NM_001321509.2); c.-169C>T (NM_001321504.2, NM_001321505.2, NM_001321508.2).
Identifiers: ClinVar variation 2651262 (VCV002651262.24), dbSNP rs368644892, ClinGen allele CA1826462.

ClinVar aggregate classification (germline): Likely benign (1 of 4 stars; one submission).

Allele frequency attached by ClinVar (database versions not stated): 1000 Genomes Project 30x 0.00187; 1000 Genomes Project 0.00200; ExAC 0.08333.
gnomAD v4.1: 2,536 of 1,232,476 alleles (0.21%); highest among the groups gnomAD compares: South Asian, 1%; 7 homozygotes.

Submission:

CeGaT Center for Human Genetics Tuebingen
Classification: Likely benign. Last evaluated: 2022-09-01. Review status: criteria provided, single submitter. Criteria: CeGaT Center For Human Genetics Tuebingen Variant Classification Criteria Version 2. Collection method: clinical testing. Allele origin: germline. Affected: yes. Observed: 2 variant alleles.
Comment: SEPTIN10: BP4, BP7